The following is an entry in ClinVar:

ClinVar aggregate classification (germline): Uncertain significance (1 of 4 stars; one submission).

Conditions:
ANKRD1-related dilated cardiomyopathy. Identifiers: MedGen CN119551.

gnomAD v4.1: 2 of 1,613,956 alleles (0.00012%); highest among the groups gnomAD compares: Admixed American, 0.0033%; no homozygotes.

Submission:

Labcorp Genetics (formerly Invitae), Labcorp
Classification: Uncertain significance for ANKRD1-related dilated cardiomyopathy. Last evaluated: 2024-11-15. Review status: criteria provided, single submitter. Criteria: Invitae Variant Classification Sherloc (09022015). Collection method: clinical testing. Allele origin: germline.
Comment: This sequence change replaces isoleucine, which is neutral and non-polar, with methionine, which is neutral and non-polar, at codon 190 of the ANKRD1 protein (p.Ile190Met). This variant is present in population databases (rs777185169, gnomAD 0.006%). This variant has not been reported in the literature in individuals affected with ANKRD1-related conditions. Invitae Evidence Modeling of protein sequence and biophysical properties (such as structural, functional, and spatial information, amino acid conservation, physicochemical variation, residue mobility, and thermodynamic stability) indicates that this missense variant is not expected to disrupt ANKRD1 protein function with a negative predictive value of 80%. In summary, the available evidence is currently insufficient to determine the role of this variant in disease. Therefore, it has been classified as a Variant of Uncertain Significance.

NM_014391.3(ANKRD1):c.570C>G (p.Ile190Met)

Gene: ANKRD1 (ankyrin repeat domain 1; minus strand). Cytogenetic location: 10q23.31.
Variant type: single nucleotide variant.
Coding change: c.570C>G on transcript NM_014391.3 (MANE Select); coding-DNA position 570, C replaced by G.
Protein change: p.Ile190Met; replaces isoleucine 190 with methionine.
Molecular consequence: missense variant.
Genome position (GRCh38, 1-based): chr10:90,916,252, G>C on the plus strand (C>G on the coding strand, the complement: ANKRD1 is on the minus strand). VCF-style: chr10-90916252-G-C. GRCh37 (hg19) VCF-style: chr10-92676009-G-C.
Other names: short protein forms I190M.
Identifiers: ClinVar variation 3680510 (VCV003680510.2).